The following is an entry in ClinVar:

ClinVar aggregate classification (germline): Likely benign (0 of 4 stars; one submission).

Conditions:
MN1-related disorder. Also called: MN1-related condition.

Allele frequency attached by ClinVar (database versions not stated): gnomAD 0.00001; TOPMed 0.00001; gnomAD exomes 0.00003.
gnomAD v4.1: 49 of 1,534,132 alleles (0.0032%); highest among the groups gnomAD compares: Non-Finnish European, 0.004%; no homozygotes.

Submission:

PreventionGenetics, part of Exact Sciences
Classification: Likely benign for MN1-related condition. Last evaluated: 2022-10-03. Review status: no assertion criteria provided. Collection method: clinical testing. Allele origin: germline.
Comment: This variant is classified as likely benign based on ACMG/AMP sequence variant interpretation guidelines (Richards et al. 2015 PMID: 25741868, with internal and published modifications).

NM_002430.3(MN1):c.1782G>A (p.Pro594=)

Gene: MN1 (MN1 proto-oncogene, transcriptional regulator; minus strand). Cytogenetic location: 22q12.1.
Variant type: single nucleotide variant.
Coding change: c.1782G>A on transcript NM_002430.3 (MANE Select); coding-DNA position 1782, G replaced by A.
Protein change: p.Pro594=; no amino-acid change (proline 594 retained).
Molecular consequence: synonymous variant.
Genome position (GRCh38, 1-based): chr22:27,798,762, C>T on the plus strand (G>A on the coding strand, the complement: MN1 is on the minus strand). VCF-style: chr22-27798762-C-T. GRCh37 (hg19) VCF-style: chr22-28194750-C-T.
Identifiers: ClinVar variation 3045513 (VCV003045513.2), dbSNP rs1184945671, ClinGen allele CA514167650.